The following is an entry in ClinVar:

ClinVar aggregate classification (germline): Uncertain significance. Review status: criteria provided, multiple submitters, no conflicts (2 of 4 stars). 3 submissions from 3 submitters: Uncertain significance (3). Last evaluated 2024-09-27.

Conditions:
Inborn genetic diseases. Identifiers: MedGen C0950123, MeSH D030342.
Renal hypomagnesemia 6. Identifiers: Orphanet 34527, MedGen C3151295, MONDO:0013480, OMIM 613882.
Hypomagnesemia, seizures, and impaired intellectual development 1. Also called: Hypomagnesemia, seizures, and intellectual disability 1. Identifiers: Orphanet 34527, MedGen C4225333, MONDO:0020787, OMIM 616418.

Allele frequency attached by ClinVar (database versions not stated): gnomAD exomes below 0.00001; TOPMed below 0.00001.
gnomAD v4.1: 2 of 1,606,096 alleles (0.00012%); highest among the groups gnomAD compares: Non-Finnish European, 0.00017%; no homozygotes.

Submissions (3):

Ambry Genetics
Classification: Uncertain significance for Inborn genetic diseases. Last evaluated: 2024-09-27. Review status: criteria provided, single submitter. Criteria: Ambry Variant Classification Scheme 2023. Collection method: clinical testing. Allele origin: germline.

Fulgent Genetics
Classification: Uncertain significance for Renal hypomagnesemia 6; Hypomagnesemia, seizures, and impaired intellectual development 1. Last evaluated: 2021-08-30. Review status: criteria provided, single submitter. Criteria: ACMG Guidelines, 2015. Collection method: clinical testing. Allele origin: unknown.

GeneDx
Classification: Uncertain significance. Last evaluated: 2017-01-23. Review status: criteria provided, single submitter. Criteria: GeneDx Variant Classification (06012015). Collection method: clinical testing. Allele origin: germline. Affected: yes.
Comment: The P773L variant in the CNNM2 gene has not been reported previously as a pathogenic variant, nor as a benign variant, to our knowledge. The P773L variant was not observed in approximately 6,200 individuals of European and African American ancestry in the NHLBI Exome Sequencing Project, indicating it is not a common benign variant in these populations. The P773L variant is a semi-conservative amino acid substitution, which may impact secondary protein structure as these residues differ in some properties. This substitution occurs at a position that is conserved in mammals. In silico analysis is inconsistent in its predictions as to whether or not the variant is damaging to the protein structure/function. We interpret P773L as a variant of uncertain significance.

NM_017649.5(CNNM2):c.2318C>T (p.Pro773Leu)

Gene: CNNM2 (cyclin and CBS domain divalent metal cation transport mediator 2; plus strand). Cytogenetic location: 10q24.32.
Variant type: single nucleotide variant.
Coding change: c.2318C>T on transcript NM_017649.5 (MANE Select); coding-DNA position 2318, C replaced by T.
Protein change: p.Pro773Leu; replaces proline 773 with leucine.
Molecular consequence: missense variant.
Genome position (GRCh38, 1-based): chr10:103,076,170, C>T. VCF-style: chr10-103076170-C-T. GRCh37 (hg19) VCF-style: chr10-104835927-C-T.
Other names: c.2318C>T (NM_017649.3); c.2252C>T, p.Pro751Leu (NM_199076.3); short protein forms P773L, P751L.
Identifiers: ClinVar variation 392723 (VCV000392723.7), dbSNP rs1057524606, ClinGen allele CA16606617.